The following is an entry in ClinVar:

NM_005235.3(ERBB4):c.1662G>C (p.Glu554Asp)

Gene: ERBB4 (erb-b2 receptor tyrosine kinase 4; minus strand). Cytogenetic location: 2q34.
Variant type: single nucleotide variant.
Coding change: c.1662G>C on transcript NM_005235.3 (MANE Select); coding-DNA position 1662, G replaced by C.
Protein change: p.Glu554Asp; replaces glutamic acid 554 with aspartic acid.
Molecular consequence: missense variant.
Genome position (GRCh38, 1-based): chr2:211,673,218, C>G on the plus strand (G>C on the coding strand, the complement: ERBB4 is on the minus strand). VCF-style: chr2-211673218-C-G. GRCh37 (hg19) VCF-style: chr2-212537943-C-G.
Other names: c.1662G>C, p.Glu554Asp (NM_001042599.2); short protein forms E554D.
Identifiers: ClinVar variation 1423087 (VCV001423087.7), dbSNP rs200112693, ClinGen allele CA65172150.
Genomic context (GRCh38, chr2:211,673,218, plus strand): 5'-GCTTACCGGTCCATGGCATGTGAGGAGGCCATCTTCCATCTTCTCACACTGGGGGTCACA[C>G]TCCACACAGATGGAGCCATTCTCAAACTCCCGAAATTCACTGTGAAAACATCAGCCACAT-3'
Protein context (NP_005226.1, residues 544-564): REFENGSICV[Glu554Asp]CDPQCEKMED

ClinVar aggregate classification (germline): Uncertain significance. Review status: criteria provided, multiple submitters, no conflicts (2 of 4 stars). 2 submissions from 2 submitters: Uncertain significance (2). Last evaluated 2025-07-21.

Allele frequency attached by ClinVar (database versions not stated): gnomAD exomes below 0.00001 and 0.00001; gnomAD 0.00001; TOPMed 0.00002.
gnomAD v4.1: 14 of 1,613,758 alleles (0.00087%); highest among the groups gnomAD compares: Admixed American, 0.0033%; no homozygotes.

Submissions (2):

Women's Health and Genetics/Laboratory Corporation of America, LabCorp
Classification: Uncertain significance. Last evaluated: 2025-07-21. Review status: criteria provided, single submitter. Criteria: LabCorp Variant Classification Summary - May 2015. Collection method: clinical testing. Allele origin: germline.
Comment: Variant summary: ERBB4 c.1662G>C (p.Glu554Asp) results in a conservative amino acid change in the encoded protein sequence. Algorithms developed to predict the effect of missense changes on protein structure and function are either unavailable or do not agree on the potential impact of this missense change. The variant allele was found at a frequency of 4e-06 in 251408 control chromosomes. The available data on variant occurrences in the general population are insufficient to allow any conclusion about variant significance. To our knowledge, no occurrence of c.1662G>C in individuals affected with Amyotrophic Lateral Sclerosis Type 19 and no experimental evidence demonstrating its impact on protein function have been reported. ClinVar contains an entry for this variant (Variation ID: 1423087). Based on the evidence outlined above, the variant was classified as uncertain significance.

Labcorp Genetics (formerly Invitae), Labcorp
Classification: Uncertain significance. Last evaluated: 2024-12-12. Review status: criteria provided, single submitter. Criteria: Invitae Variant Classification Sherloc (09022015). Collection method: clinical testing. Allele origin: germline.
Comment: This sequence change replaces glutamic acid, which is acidic and polar, with aspartic acid, which is acidic and polar, at codon 554 of the ERBB4 protein (p.Glu554Asp). This variant is present in population databases (rs200112693, gnomAD 0.003%). This variant has not been reported in the literature in individuals affected with ERBB4-related conditions. ClinVar contains an entry for this variant (Variation ID: 1423087). Invitae Evidence Modeling of protein sequence and biophysical properties (such as structural, functional, and spatial information, amino acid conservation, physicochemical variation, residue mobility, and thermodynamic stability) indicates that this missense variant is not expected to disrupt ERBB4 protein function with a negative predictive value of 80%. In summary, the available evidence is currently insufficient to determine the role of this variant in disease. Therefore, it has been classified as a Variant of Uncertain Significance.